The following is an entry in ClinVar:

NM_002480.3(PPP1R12A):c.2152C>T (p.Arg718Ter)

Gene: PPP1R12A (protein phosphatase 1 regulatory subunit 12A; minus strand). Cytogenetic location: 12q21.2.
Variant type: single nucleotide variant.
Coding change: c.2152C>T on transcript NM_002480.3 (MANE Select); coding-DNA position 2152, C replaced by T.
Protein change: p.Arg718Ter; replaces arginine 718 with a stop codon.
Molecular consequence: nonsense.
Genome position (GRCh38, 1-based): chr12:79,797,335, G>A on the plus strand (C>T on the coding strand, the complement: PPP1R12A is on the minus strand). VCF-style: chr12-79797335-G-A. GRCh37 (hg19) VCF-style: chr12-80191115-G-A.
Other names: c.2152C>T, p.Arg718Ter (NM_001143885.2, NM_001244990.2); c.1891C>T, p.Arg631Ter (NM_001143886.2); c.1984C>T, p.Arg662Ter (NM_001244992.1); short protein forms R631*, R662*, R718*.
Identifiers: ClinVar variation 1878944 (VCV001878944.4), dbSNP rs1034350880, ClinGen allele CA240152629.

ClinVar aggregate classification (germline): Likely pathogenic (1 of 4 stars; one submission).

Submission:

GeneDx
Classification: Likely pathogenic. Last evaluated: 2023-11-04. Review status: criteria provided, single submitter. Criteria: GeneDx Variant Classification Process June 2021. Collection method: clinical testing. Allele origin: germline. Affected: yes.
Comment: Nonsense variant predicted to result in protein truncation or nonsense mediated decay in a gene for which loss of function is a known mechanism of disease; Not observed at significant frequency in large population cohorts (gnomAD); Has not been previously published as pathogenic or benign to our knowledge